The following is an entry in ClinVar:

NM_001447.3(FAT2):c.8669C>T (p.Ala2890Val)

Genes: FAT2 (FAT atypical cadherin 2; minus strand), SLC36A1 (solute carrier family 36 member 1; plus strand). Cytogenetic location: 5q33.1.
Variant type: single nucleotide variant.
Coding change: c.8669C>T on transcript NM_001447.3 (MANE Select); coding-DNA position 8669, C replaced by T.
Protein change: p.Ala2890Val; replaces alanine 2890 with valine.
Molecular consequence: missense variant.
Genome position (GRCh38, 1-based): chr5:151,542,458, G>A on the plus strand (C>T on the coding strand, the complement: FAT2 is on the minus strand). VCF-style: chr5-151542458-G-A. GRCh37 (hg19) VCF-style: chr5-150922019-G-A.
Other names: short protein forms A2890V.
Identifiers: ClinVar variation 3632761 (VCV003632761.2).

ClinVar aggregate classification (germline): Uncertain significance (1 of 4 stars; one submission).

gnomAD v4.1: 3 of 1,614,180 alleles (0.00019%); highest among the groups gnomAD compares: East Asian, 0.0067%; no homozygotes.

Submission:

Labcorp Genetics (formerly Invitae), Labcorp
Classification: Uncertain significance. Last evaluated: 2024-02-16. Review status: criteria provided, single submitter. Criteria: Invitae Variant Classification Sherloc (09022015). Collection method: clinical testing. Allele origin: germline.
Comment: This sequence change replaces alanine, which is neutral and non-polar, with valine, which is neutral and non-polar, at codon 2890 of the FAT2 protein (p.Ala2890Val). This variant is not present in population databases (gnomAD no frequency). This variant has not been reported in the literature in individuals affected with FAT2-related conditions. Algorithms developed to predict the effect of missense changes on protein structure and function output the following: SIFT: "Not Available"; PolyPhen-2: "Benign"; Align-GVGD: "Not Available". The valine amino acid residue is found in multiple mammalian species, which suggests that this missense change does not adversely affect protein function. In summary, the available evidence is currently insufficient to determine the role of this variant in disease. Therefore, it has been classified as a Variant of Uncertain Significance.